The following is an entry in ClinVar:

ClinVar aggregate classification (germline): Uncertain significance (1 of 4 stars; one submission).

Allele frequency attached by ClinVar (database versions not stated): gnomAD exomes below 0.00001; TOPMed below 0.00001; gnomAD 0.00002.
gnomAD v4.1: 4 of 1,614,010 alleles (0.00025%); highest among the groups gnomAD compares: African/African-American, 0.0053%; no homozygotes.

Submission:

GeneDx
Classification: Uncertain significance. Last evaluated: 2017-08-21. Review status: criteria provided, single submitter. Criteria: GeneDx Variant Classification (06012015). Collection method: clinical testing. Allele origin: germline. Affected: yes.
Comment: The E706G variant in the CHD1L gene has not been reported previously as a pathogenic variant, nor as a benign variant, to our knowledge. The E706G variant is not observed in large population cohorts (Lek et al., 2016; 1000 Genomes Consortium et al., 2015; Exome Variant Server). The E706G variant is a non-conservative amino acid substitution, which is likely to impact secondary protein structure as these residues differ in polarity, charge, size and/or other properties. This substitution occurs at a position that is not conserved. In silico analysis is inconsistent in its predictions as to whether or not the variant is damaging to the protein structure/function. We interpret E706G as a variant of uncertain significance.

NM_004284.6(CHD1L):c.2117A>G (p.Glu706Gly)

Gene: CHD1L (chromodomain helicase DNA binding protein 1 like; plus strand). Cytogenetic location: 1q21.1.
Variant type: single nucleotide variant.
Coding change: c.2117A>G on transcript NM_004284.6 (MANE Select); coding-DNA position 2117, A replaced by G.
Protein change: p.Glu706Gly; replaces glutamic acid 706 with glycine.
Molecular consequence: missense variant. On other transcripts: non-coding transcript variant (16).
Genome position (GRCh38, 1-based): chr1:147,286,396, A>G. VCF-style: chr1-147286396-A-G. GRCh37 (hg19) VCF-style: chr1-146758073-A-G.
Other names: c.1817A>G, p.Glu606Gly (NM_001256336.3); c.1274A>G, p.Glu425Gly (NM_001256337.3, NM_001348456.2, NM_001348457.2 and 9 more transcripts); c.1505A>G, p.Glu502Gly (NM_001256338.3); c.1901A>G, p.Glu634Gly (NM_001348451.2, NM_001348452.2); c.1778A>G, p.Glu593Gly (NM_001348453.2, NM_024568.4); c.1661A>G, p.Glu554Gly (NM_001348454.2); c.1628A>G, p.Glu543Gly (NM_001348455.2); short protein forms E706G, E543G, E593G, E634G, E425G, E502G, E554G, E606G.
Identifiers: ClinVar variation 451492 (VCV000451492.2), dbSNP rs1443935605, ClinGen allele CA342209141.
Genomic context (GRCh38, chr1:147,286,396, plus strand): 5'-GCCTGCCCTCTGAGGAGAGCGAGCCAGAGGACCTTGAGAATGGGGAAGAGAGCTCTGCTG[A>G]GCTGGATTACCAAGACCCAGATGCTACTTCCCTCAAGTACGTTAGTGGTGATGTCACCCA-3'
Protein context (NP_004275.4, residues 696-716): DLENGEESSA[Glu706Gly]LDYQDPDATS